The following is an entry in ClinVar:

NM_014714.4(IFT140):c.3587C>T (p.Ala1196Val)

Gene: IFT140 (intraflagellar transport 140; minus strand). Cytogenetic location: 16p13.3.
Variant type: single nucleotide variant.
Coding change: c.3587C>T on transcript NM_014714.4 (MANE Select); coding-DNA position 3587, C replaced by T.
Protein change: p.Ala1196Val; replaces alanine 1196 with valine.
Molecular consequence: missense variant.
Genome position (GRCh38, 1-based): chr16:1,520,675, G>A on the plus strand (C>T on the coding strand, the complement: IFT140 is on the minus strand). VCF-style: chr16-1520675-G-A. GRCh37 (hg19) VCF-style: chr16-1570676-G-A.
Other names: short protein forms A1196V.
Identifiers: ClinVar variation 1480434 (VCV001480434.6), dbSNP rs760756337, ClinGen allele CA7813105.

ClinVar aggregate classification (germline): Uncertain significance (1 of 4 stars; one submission).

Conditions:
Saldino-Mainzer syndrome (SRTD9). Also called: Renal dysplasia, retinal pigmentary dystrophy, cerebellar ataxia and skeletal dysplasia; CONORENAL SYNDROME; SHORT-RIB THORACIC DYSPLASIA 9 WITHOUT POLYDACTYLY; short-rib thoracic dysplasia 9 with or without polydactyly. Identifiers: Orphanet 140969, MedGen C1849437, MONDO:0009964, OMIM 266920.

Allele frequency attached by ClinVar (database versions not stated): gnomAD exomes below 0.00001 and 0.00001; TOPMed below 0.00001; ExAC 0.00001.
gnomAD v4.1: 7 of 1,608,002 alleles (0.00044%); highest among the groups gnomAD compares: Non-Finnish European, 0.00059%; no homozygotes.

Submission:

Labcorp Genetics (formerly Invitae), Labcorp
Classification: Uncertain significance for Saldino-Mainzer syndrome. Last evaluated: 2022-06-20. Review status: criteria provided, single submitter. Criteria: Invitae Variant Classification Sherloc (09022015). Collection method: clinical testing. Allele origin: germline.
Comment: This variant has not been reported in the literature in individuals affected with IFT140-related conditions. Algorithms developed to predict the effect of missense changes on protein structure and function are either unavailable or do not agree on the potential impact of this missense change (SIFT: "Deleterious"; PolyPhen-2: "Probably Damaging"; Align-GVGD: "Class C0"). In summary, the available evidence is currently insufficient to determine the role of this variant in disease. Therefore, it has been classified as a Variant of Uncertain Significance. The frequency data for this variant in the population databases is considered unreliable, as metrics indicate poor data quality at this position in the gnomAD database. This sequence change replaces alanine, which is neutral and non-polar, with valine, which is neutral and non-polar, at codon 1196 of the IFT140 protein (p.Ala1196Val).